The following is an entry in ClinVar:

ClinVar aggregate classification (germline): Uncertain significance (1 of 4 stars; one submission).

Conditions:
Dyskeratosis congenita, autosomal dominant 6 (DKCA6). Identifiers: Orphanet 3322, MedGen C4225284, MONDO:0014690, OMIM 616553.

Allele frequency attached by ClinVar (database versions not stated): gnomAD exomes 0.00001.

Submission:

Labcorp Genetics (formerly Invitae), Labcorp
Classification: Uncertain significance for Dyskeratosis congenita, autosomal dominant 6. Last evaluated: 2021-12-19. Review status: criteria provided, single submitter. Criteria: Invitae Variant Classification Sherloc (09022015). Collection method: clinical testing. Allele origin: germline.
Comment: This variant has not been reported in the literature in individuals affected with ACD-related conditions. This variant is not present in population databases (gnomAD no frequency). This sequence change replaces proline, which is neutral and non-polar, with leucine, which is neutral and non-polar, at codon 491 of the ACD protein (p.Pro491Leu). Algorithms developed to predict the effect of missense changes on protein structure and function are either unavailable or do not agree on the potential impact of this missense change (SIFT: "Deleterious"; PolyPhen-2: "Probably Damaging"; Align-GVGD: "Class C0"). In summary, the available evidence is currently insufficient to determine the role of this variant in disease. Therefore, it has been classified as a Variant of Uncertain Significance.

NM_001082486.2(ACD):c.1214C>T (p.Pro405Leu)

Gene: ACD (ACD shelterin complex subunit and telomerase recruitment factor; minus strand). Cytogenetic location: 16q22.1.
Variant type: single nucleotide variant.
Coding change: c.1214C>T on transcript NM_001082486.2 (MANE Select); coding-DNA position 1214, C replaced by T.
Protein change: p.Pro405Leu; replaces proline 405 with leucine.
Molecular consequence: missense variant.
Genome position (GRCh38, 1-based): chr16:67,657,846, G>A on the plus strand (C>T on the coding strand, the complement: ACD is on the minus strand). VCF-style: chr16-67657846-G-A. GRCh37 (hg19) VCF-style: chr16-67691749-G-A.
Other names: c.1127C>T, p.Pro376Leu (NM_001410884.1); c.1205C>T, p.Pro402Leu (NM_022914.3); short protein forms P376L, P402L, P405L.
Identifiers: ClinVar variation 2176833 (VCV002176833.4), dbSNP rs2543597150, ClinGen allele CA396350055.
Genomic context (GRCh38, chr16:67,657,846, plus strand): 5'-AGGGACGTGCAGGGTGGCTCATACTCATACTGGAAGGCAGAACCATCACGATGCCTCTTT[G>A]GGGGTTCCTGAAAGGGGTATGGTGTCTGGGGAAGAGCTAACAAGGACCCCAACCCCATCC-3'
Protein context (NP_001075955.2, residues 395-415): AQEPCSVWEP[Pro405Leu]KRHRDGSAFQ